The following is an entry in ClinVar:

NM_001164508.2(NEB):c.6075+2T>G

Gene: NEB (nebulin; minus strand). Cytogenetic location: 2q23.3.
Variant type: single nucleotide variant.
Coding change: c.6075+2T>G on transcript NM_001164508.2 (MANE Select); the canonical splice donor site of the intron after coding-DNA position 6075, T replaced by G.
Molecular consequence: splice donor variant.
Genome position (GRCh38, 1-based): chr2:151,659,063, A>C on the plus strand (T>G on the coding strand, the complement: NEB is on the minus strand). VCF-style: chr2-151659063-A-C. GRCh37 (hg19) VCF-style: chr2-152515577-A-C.
Other names: c.6075+2T>G (NM_004543.5, NM_001164507.2, NM_001271208.2).
Identifiers: ClinVar variation 1509970 (VCV001509970.8), dbSNP rs2154157623, ClinGen allele CA348802692.

ClinVar aggregate classification (germline): Likely pathogenic (1 of 4 stars; one submission).

Conditions:
Nemaline myopathy 2 (NEM2). Also called: Nemaline myopathy 2, autosomal recessive. Identifiers: MedGen C1850569, MONDO:0009725, OMIM 256030.

Submission:

Labcorp Genetics (formerly Invitae), Labcorp
Classification: Likely pathogenic for Nemaline myopathy 2. Last evaluated: 2020-12-22. Review status: criteria provided, single submitter. Criteria: Invitae Variant Classification Sherloc (09022015). Collection method: clinical testing. Allele origin: germline.
Comment: This sequence change affects a donor splice site in intron 47 of the NEB gene. It is expected to disrupt RNA splicing. Variants that disrupt the donor or acceptor splice site typically lead to a loss of protein function (PMID: 16199547), and loss-of-function variants in NEB are known to be pathogenic (PMID: 25205138). This variant is not present in population databases (ExAC no frequency). This variant has been observed in individual(s) with clinical features of nemaline myopathy (PMID: 25205138). Algorithms developed to predict the effect of sequence changes on RNA splicing suggest that this variant may disrupt the consensus splice site, but this prediction has not been confirmed by published transcriptional studies. In summary, the currently available evidence indicates that the variant is pathogenic, but additional data are needed to prove that conclusively. Therefore, this variant has been classified as Likely Pathogenic.

Literature cited by the submitters: PubMed 16199547; PubMed 25205138.